The following is an entry in ClinVar:

ClinVar aggregate classification (germline): Uncertain significance (1 of 4 stars; one submission).

Conditions:
Vici syndrome (VICIS). Identifiers: Orphanet 1493, MedGen C1855772, MONDO:0009452, OMIM 242840.

gnomAD v4.1: 1 of 1,613,960 alleles (0.000062%); highest among the groups gnomAD compares: Non-Finnish European, 0.000085%; no homozygotes.

Submission:

Labcorp Genetics (formerly Invitae), Labcorp
Classification: Uncertain significance for Vici syndrome. Last evaluated: 2020-08-25. Review status: criteria provided, single submitter. Criteria: Invitae Variant Classification Sherloc (09022015). Collection method: clinical testing. Allele origin: germline.
Comment: This sequence change falls in intron 39 of the EPG5 gene. It does not directly change the encoded amino acid sequence of the EPG5 protein, but it affects a nucleotide within the consensus splice site of the intron. This variant is not present in population databases (ExAC no frequency). This variant has not been reported in the literature in individuals with EPG5-related conditions. Nucleotide substitutions within the consensus splice site are a relatively common cause of aberrant splicing (PMID: 17576681, 9536098). Algorithms developed to predict the effect of sequence changes on RNA splicing suggest that this variant is not likely to affect RNA splicing, but this prediction has not been confirmed by published transcriptional studies. In summary, the available evidence is currently insufficient to determine the role of this variant in disease. Therefore, it has been classified as a Variant of Uncertain Significance.

Literature cited by the submitters: PubMed 17576681; PubMed 9536098.

NM_020964.3(EPG5):c.6766+4A>C

Gene: EPG5 (ectopic P-granules 5 autophagy tethering factor; minus strand). Cytogenetic location: 18q12.3.
Variant type: single nucleotide variant.
Coding change: c.6766+4A>C on transcript NM_020964.3 (MANE Select); 4 bases into the intron after coding-DNA position 6766, A replaced by C.
Molecular consequence: intron variant.
Genome position (GRCh38, 1-based): chr18:45,865,611, T>G on the plus strand (A>C on the coding strand, the complement: EPG5 is on the minus strand). VCF-style: chr18-45865611-T-G. GRCh37 (hg19) VCF-style: chr18-43445576-T-G.
Identifiers: ClinVar variation 1022474 (VCV001022474.7), dbSNP rs2048727518, ClinGen allele CA2300571497.